The following is an entry in ClinVar:

ClinVar aggregate classification (germline): Uncertain significance (1 of 4 stars; one submission).

Conditions:
Glycogen storage disease type III (GSD3). Also called: FORBES DISEASE; Cori disease. Identifiers: Orphanet 366, MedGen C0017922, MONDO:0009291, OMIM 232400.

Submission:

Labcorp Genetics (formerly Invitae), Labcorp
Classification: Uncertain significance for Glycogen storage disease type III. Last evaluated: 2026-01-03. Review status: criteria provided, single submitter. Criteria: Invitae Variant Classification Sherloc (09022015). Collection method: clinical testing. Allele origin: germline.
Comment: This sequence change replaces arginine, which is basic and polar, with lysine, which is basic and polar, at codon 428 of the AGL protein (p.Arg428Lys). This variant also falls at the last nucleotide of exon 10, which is part of the consensus splice site for this exon. This variant is not present in population databases (gnomAD no frequency). This missense change has been observed in individual(s) with glycogen storage disease III (PMID: 12955720, 18785866). ClinVar contains an entry for this variant (Variation ID: 242588). An algorithm developed to predict the effect of missense changes on protein structure and function (PolyPhen-2) suggests that this variant is likely to be tolerated. Variants that disrupt the consensus splice site are a relatively common cause of aberrant splicing (PMID: 17576681, 9536098). Algorithms developed to predict the effect of sequence changes on RNA splicing suggest that this variant may disrupt the consensus splice site. In summary, the available evidence is currently insufficient to determine the role of this variant in disease. Therefore, it has been classified as a Variant of Uncertain Significance.

Literature cited by the submitters: PubMed 12955720; PubMed 18785866; PubMed 17576681; PubMed 9536098.

NC_000001.10:g.100341011G>A

Gene: AGL (amylo-alpha-1,6-glucosidase and 4-alpha-glucanotransferase; plus strand). Cytogenetic location: 1p21.2.
Variant type: single nucleotide variant.
Molecular consequence: missense variant (on NM_000642.3).
Genome position: GRCh38 VCF-style: chr1-99875455-G-A. GRCh37 (hg19) VCF-style: chr1-100341011-G-A.
Other names: c.1283G>A, p.Arg428Lys (NM_000028.3, NM_000642.3, NM_000643.3 and 3 more transcripts); c.1235G>A, p.Arg412Lys (NM_000646.3); c.1079G>A, p.Arg360Lys (NM_001425328.1, NM_001425329.1); c.905G>A, p.Arg302Lys (NM_001425332.1); short protein forms R428K, R412K, R302K, R360K.
Identifiers: ClinVar variation 242588 (VCV000242588.2), dbSNP rs794729209.